The following is an entry in ClinVar:

NM_025144.4(ALPK1):c.1369G>A (p.Asp457Asn)

Gene: ALPK1 (alpha kinase 1; plus strand). Cytogenetic location: 4q25.
Variant type: single nucleotide variant.
Coding change: c.1369G>A on transcript NM_025144.4 (MANE Select); coding-DNA position 1369, G replaced by A.
Protein change: p.Asp457Asn; replaces aspartic acid 457 with asparagine.
Molecular consequence: missense variant.
Genome position (GRCh38, 1-based): chr4:112,430,916, G>A. VCF-style: chr4-112430916-G-A. GRCh37 (hg19) VCF-style: chr4-113352072-G-A.
Other names: c.1369G>A, p.Asp457Asn (NM_001102406.2); c.1135G>A, p.Asp379Asn (NM_001253884.2); short protein forms D457N, D379N.
Identifiers: ClinVar variation 1960860 (VCV001960860.6), dbSNP rs1368203405, ClinGen allele CA357894528.
Genomic context (GRCh38, chr4:112,430,916, plus strand): 5'-TTCGAGTGCAGGTTGGATAAACTTATCTTGCATGGGCAAGGGGATTTCCAAAAAATCCTT[G>A]ACACCTATTCACAGCACCATACTTCGGTGTGTGAAGTATTTGAAAGTGATTGTGGAAACA-3'
Protein context (NP_079420.3, residues 447-467): HGQGDFQKIL[Asp457Asn]TYSQHHTSVC

ClinVar aggregate classification (germline): Uncertain significance. Review status: criteria provided, multiple submitters, no conflicts (2 of 4 stars). 2 submissions from 2 submitters: Uncertain significance (2). Last evaluated 2025-06-23.

Conditions:
Inborn genetic diseases. Identifiers: MedGen C0950123, MeSH D030342.

Allele frequency attached by ClinVar (database versions not stated): gnomAD exomes below 0.00001; gnomAD 0.00001.
gnomAD v4.1: 4 of 1,614,060 alleles (0.00025%); highest among the groups gnomAD compares: Admixed American, 0.005%; no homozygotes.

Submissions (2):

Labcorp Genetics (formerly Invitae), Labcorp
Classification: Uncertain significance. Last evaluated: 2025-06-23. Review status: criteria provided, single submitter. Criteria: Invitae Variant Classification Sherloc (09022015). Collection method: clinical testing. Allele origin: germline.
Comment: This sequence change replaces aspartic acid, which is acidic and polar, with asparagine, which is neutral and polar, at codon 457 of the ALPK1 protein (p.Asp457Asn). This variant is present in population databases (no rsID available, gnomAD 0.1%). This variant has not been reported in the literature in individuals affected with ALPK1-related conditions. ClinVar contains an entry for this variant (Variation ID: 1960860). Invitae Evidence Modeling of protein sequence and biophysical properties (such as structural, functional, and spatial information, amino acid conservation, physicochemical variation, residue mobility, and thermodynamic stability) indicates that this missense variant is not expected to disrupt ALPK1 protein function with a negative predictive value of 80%. In summary, the available evidence is currently insufficient to determine the role of this variant in disease. Therefore, it has been classified as a Variant of Uncertain Significance.

Ambry Genetics
Classification: Uncertain significance for Inborn genetic diseases. Last evaluated: 2022-04-12. Review status: criteria provided, single submitter. Criteria: Ambry Variant Classification Scheme 2023. Collection method: clinical testing. Allele origin: germline.